The following is an entry in ClinVar:

NM_004393.6(DAG1):c.2124_2127del (p.Gly709fs)

Gene: DAG1 (dystroglycan 1; plus strand). Cytogenetic location: 3p21.31.
Variant type: Deletion.
Coding change: c.2124_2127del on transcript NM_004393.6 (MANE Select); coding-DNA positions 2124 to 2127, 4 bases deleted (GGGC; older notation c.2124_2127delGGGC).
Protein change: p.Gly709fs; shifts the reading frame from glycine 709.
Molecular consequence: frameshift variant.
Genome position (GRCh38, 1-based): chr3:49,532,635-49,532,638, GGGC deleted; deleting any 4 consecutive bases within chr3:49,532,634-49,532,638 gives the same sequence; the c. name uses the placement nearest the transcript's 3' end. VCF-style (leftmost placement, unchanged base first): chr3-49532633-ACGGG-A. GRCh37 (hg19) VCF-style: chr3-49570066-ACGGG-A.
Other names: c.2124_2127del, p.Gly709fs (NM_001165928.4, NM_001177634.3, NM_001177635.3 and 9 more transcripts); short protein forms G709fs.
Identifiers: ClinVar variation 2018729 (VCV002018729.4), dbSNP rs2472652270, ClinGen allele CA2580070081.
Genomic context (GRCh38, chr3:49,532,633, plus strand): 5'-CCTCGGCCTGCCTTCTCCAACGCCCTAGAGCCTGACTTTAAGGCCACAAGCATCACTGTG[ACGGG>A]CTCTGGCAGTTGTCGGCACCTACAGTTTATCCCTGTGGTACCACCCAGGAGAGTGCCCTC-3'

ClinVar aggregate classification (germline): Uncertain significance (1 of 4 stars; one submission).

Conditions:
Autosomal recessive limb-girdle muscular dystrophy type 2P. Also called: MUSCULAR DYSTROPHY, LIMB-GIRDLE, TYPE 2P; MUSCULAR DYSTROPHY-DYSTROGLYCANOPATHY, LIMB-GIRDLE, DAG1-RELATED; Limb-Girdle Muscular Dystrophy Type 9C. Identifiers: Orphanet 280333, MedGen C4511963, MONDO:0013440, OMIM 613818.
Muscular dystrophy-dystroglycanopathy (congenital with brain and eye anomalies), type A9. Also called: Muscular dystrophy-dystroglycanopathy (congenital with brain and eye anomalies), type a, 9; WALKER-WARBURG SYNDROME OR MUSCLE-EYE BRAIN DISEASE, DAG1-RELATED. Identifiers: Orphanet 370997, Orphanet 899, MedGen C4225291, MONDO:0014683, OMIM 616538.

Submission:

Labcorp Genetics (formerly Invitae), Labcorp
Classification: Uncertain significance for Autosomal recessive limb-girdle muscular dystrophy type 2P; Muscular dystrophy-dystroglycanopathy (congenital with brain and eye anomalies), type A9. Last evaluated: 2022-07-21. Review status: criteria provided, single submitter. Criteria: Invitae Variant Classification Sherloc (09022015). Collection method: clinical testing. Allele origin: germline.
Comment: In summary, the available evidence is currently insufficient to determine the role of this variant in disease. Therefore, it has been classified as a Variant of Uncertain Significance. Experimental studies and prediction algorithms are not available or were not evaluated, and the functional significance of this variant is currently unknown. This variant has not been reported in the literature in individuals affected with DAG1-related conditions. This variant is not present in population databases (gnomAD no frequency). This sequence change creates a premature translational stop signal (p.Gly709Leufs*63) in the DAG1 gene. While this is not anticipated to result in nonsense mediated decay, it is expected to disrupt the last 187 amino acid(s) of the DAG1 protein.